The following is an entry in ClinVar:

ClinVar aggregate classification (germline): Uncertain significance (1 of 4 stars; one submission).

Submission:

GeneDx
Classification: Uncertain significance. Last evaluated: 2025-08-12. Review status: criteria provided, single submitter. Criteria: GeneDx Variant Classification Process June 2021. Collection method: clinical testing. Allele origin: germline. Affected: yes.
Comment: Not observed at significant frequency in large population cohorts (gnomAD); In silico analysis supports that this missense variant has a deleterious effect on protein structure/function; Has not been previously published as pathogenic or benign to our knowledge

NM_001083962.2(TCF4):c.1834C>T (p.His612Tyr)

Gene: TCF4 (transcription factor 4; minus strand). Cytogenetic location: 18q21.2.
Variant type: single nucleotide variant.
Coding change: c.1834C>T on transcript NM_001083962.2 (MANE Select); coding-DNA position 1834, C replaced by T.
Protein change: p.His612Tyr; replaces histidine 612 with tyrosine.
Molecular consequence: missense variant.
Genome position (GRCh38, 1-based): chr18:55,228,892, G>A on the plus strand (C>T on the coding strand, the complement: TCF4 is on the minus strand). VCF-style: chr18-55228892-G-A. GRCh37 (hg19) VCF-style: chr18-52896123-G-A.
Other names: c.1750C>T, p.His584Tyr (NM_001369583.1, NM_001369582.1, NM_001348219.2 and 1 more transcripts); c.1747C>T, p.His583Tyr (NM_001369584.1, NM_001369585.1, NM_001348220.1); c.1765C>T, p.His589Tyr (NM_001369586.1); c.1822C>T, p.His608Tyr (NM_003199.3, NM_001369571.1, NM_001369572.1); c.1819C>T, p.His607Tyr (NM_001369574.1, NM_001369573.1); c.1762C>T, p.His588Tyr (NM_001369575.1, NM_001348218.2, NM_001348217.1 and 1 more transcripts); c.1759C>T, p.His587Tyr (NM_001369576.1, NM_001369577.1, NM_001369578.1 and 3 more transcripts); c.1834C>T, p.His612Tyr (NM_001369567.1, NM_001369568.1); and 14 more; short protein forms H447Y, H566Y, H607Y, H611Y, H612Y, H452Y, H570Y, H587Y.
Identifiers: ClinVar variation 4795643 (VCV004795643.1).
Genomic context (GRCh38, chr18:55,228,892, plus strand): 5'-CTGGCCTGCACTGACCTCGGACTTGCTGCTCCAGACTGAGGATGACGGCCACCGCCTGGT[G>A]GAGGATCAGGAGCTTGGTCTGGGGCTTGTCACTCTTGAGGTGGAGCTGCACCATGCGGCC-3'
Protein context (NP_001077431.1, residues 602-622): DKPQTKLLIL[His612Tyr]QAVAVILSLE